The following is an entry in ClinVar:

NM_000393.5(COL5A2):c.4478T>C (p.Ile1493Thr)

Gene: COL5A2 (collagen type V alpha 2 chain; minus strand). Cytogenetic location: 2q32.2.
Variant type: single nucleotide variant.
Coding change: c.4478T>C on transcript NM_000393.5 (MANE Select); coding-DNA position 4478, T replaced by C.
Protein change: p.Ile1493Thr; replaces isoleucine 1493 with threonine.
Molecular consequence: missense variant.
Genome position (GRCh38, 1-based): chr2:189,034,092, A>G on the plus strand (T>C on the coding strand, the complement: COL5A2 is on the minus strand). VCF-style: chr2-189034092-A-G. GRCh37 (hg19) VCF-style: chr2-189898818-A-G.
Other names: short protein forms I1493T.
Identifiers: ClinVar variation 2838703 (VCV002838703.3), dbSNP rs1227167162, ClinGen allele CA349854174.

ClinVar aggregate classification (germline): Uncertain significance (1 of 4 stars; one submission).

Conditions:
Ehlers-Danlos syndrome, classic type, 1 (EDSCL1). Also called: EHLERS-DANLOS SYNDROME, GRAVIS TYPE; EHLERS-DANLOS SYNDROME, SEVERE CLASSIC TYPE; Ehlers-Danlos syndrome, type 1; Ehlers-Danlos Syndrome, Classic Type, COL5A1-Related; EDS I. Identifiers: MedGen C0268335, MONDO:0019567, OMIM 130000.

Allele frequency attached by ClinVar (database versions not stated): gnomAD exomes 0.00001; TOPMed 0.00001; gnomAD 0.00001.
gnomAD v4.1: 12 of 1,613,888 alleles (0.00074%); highest among the groups gnomAD compares: Non-Finnish European, 0.001%; no homozygotes.

Submission:

Labcorp Genetics (formerly Invitae), Labcorp
Classification: Uncertain significance for Ehlers-Danlos syndrome, classic type, 1. Last evaluated: 2024-01-14. Review status: criteria provided, single submitter. Criteria: Invitae Variant Classification Sherloc (09022015). Collection method: clinical testing. Allele origin: germline.
Comment: This sequence change replaces isoleucine, which is neutral and non-polar, with threonine, which is neutral and polar, at codon 1493 of the COL5A2 protein (p.Ile1493Thr). This variant is not present in population databases (gnomAD no frequency). This variant has not been reported in the literature in individuals affected with COL5A2-related conditions. Advanced modeling of protein sequence and biophysical properties (such as structural, functional, and spatial information, amino acid conservation, physicochemical variation, residue mobility, and thermodynamic stability) has been performed at Invitae for this missense variant, however the output from this modeling did not meet the statistical confidence thresholds required to predict the impact of this variant on COL5A2 protein function. In summary, the available evidence is currently insufficient to determine the role of this variant in disease. Therefore, it has been classified as a Variant of Uncertain Significance.